The following is an entry in ClinVar:

NM_005708.5(GPC6):c.1162A>G (p.Ile388Val)

Gene: GPC6 (glypican 6; plus strand). Cytogenetic location: 13q31.3.
Variant type: single nucleotide variant.
Coding change: c.1162A>G on transcript NM_005708.5 (MANE Select); coding-DNA position 1162, A replaced by G.
Protein change: p.Ile388Val; replaces isoleucine 388 with valine.
Molecular consequence: missense variant.
Genome position (GRCh38, 1-based): chr13:94,382,423, A>G. VCF-style: chr13-94382423-A-G. GRCh37 (hg19) VCF-style: chr13-95034677-A-G.
Other names: short protein forms I388V.
Identifiers: ClinVar variation 312545 (VCV000312545.7), dbSNP rs144734105, ClinGen allele CA7017113.

ClinVar aggregate classification (germline): Uncertain significance. Review status: criteria provided, multiple submitters, no conflicts (2 of 4 stars). 3 submissions from 3 submitters: Uncertain significance (3). Last evaluated 2026-01-02.

Conditions:
Inborn genetic diseases. Identifiers: MedGen C0950123, MeSH D030342.
Autosomal recessive omodysplasia (OMOD1). Also called: MICROMELIC DYSPLASIA, CONGENITAL, WITH DISLOCATION OF RADIUS. Identifiers: Orphanet 2733, Orphanet 93329, MedGen C1850318, MONDO:0009779, OMIM 258315.

Allele frequency attached by ClinVar (database versions not stated): ESP Exome Variant Server 0.00008; gnomAD 0.00008 and 0.00009; gnomAD exomes 0.00008 and 0.00015; TOPMed 0.00009; ExAC 0.00010.
gnomAD v4.1: 229 of 1,614,062 alleles (0.014%); highest among the groups gnomAD compares: Non-Finnish European, 0.018%; no homozygotes.

Submissions (3):

Labcorp Genetics (formerly Invitae), Labcorp
Classification: Uncertain significance. Last evaluated: 2026-01-02. Review status: criteria provided, single submitter. Criteria: Invitae Variant Classification Sherloc (09022015). Collection method: clinical testing. Allele origin: germline.
Comment: This sequence change replaces isoleucine, which is neutral and non-polar, with valine, which is neutral and non-polar, at codon 388 of the GPC6 protein (p.Ile388Val). This variant is present in population databases (rs144734105, gnomAD 0.02%). This variant has not been reported in the literature in individuals affected with GPC6-related conditions. ClinVar contains an entry for this variant (Variation ID: 312545). An algorithm developed to predict the effect of missense changes on protein structure and function (PolyPhen-2) suggests that this variant is likely to be tolerated. In summary, the available evidence is currently insufficient to determine the role of this variant in disease. Therefore, it has been classified as a Variant of Uncertain Significance.

Ambry Genetics
Classification: Uncertain significance for Inborn genetic diseases. Last evaluated: 2024-03-01. Review status: criteria provided, single submitter. Criteria: Ambry Variant Classification Scheme 2023. Collection method: clinical testing. Allele origin: germline.

Illumina Laboratory Services, Illumina
Classification: Uncertain significance for Autosomal recessive omodysplasia. Last evaluated: 2018-01-12. Review status: criteria provided, single submitter. Criteria: ICSL Variant Classification Criteria 13 December 2019. Collection method: clinical testing. Allele origin: germline.